The following is an entry in ClinVar:

ClinVar aggregate classification (germline): Uncertain significance (1 of 4 stars; one submission).

Submission:

GeneDx
Classification: Uncertain significance. Last evaluated: 2023-03-29. Review status: criteria provided, single submitter. Criteria: GeneDx Variant Classification Process June 2021. Collection method: clinical testing. Allele origin: germline. Affected: yes.
Comment: Not observed at significant frequency in large population cohorts (gnomAD); Alters the last nucleotide of the exon and is predicted to destroy the splice donor site and result in aberrant splicing, although in the absence of functional evidence the actual effect of this sequence change is unknown; Has not been previously published as pathogenic or benign to our knowledge

NM_001379029.1(CERT1):c.595G>A (p.Val199Met)

Gene: CERT1 (ceramide transporter 1; minus strand). Cytogenetic location: 5q13.3.
Variant type: single nucleotide variant.
Coding change: c.595G>A on transcript NM_001379029.1 (MANE Select); coding-DNA position 595, G replaced by A.
Protein change: p.Val199Met; replaces valine 199 with methionine.
Molecular consequence: missense variant.
Genome position (GRCh38, 1-based): chr5:75,425,361, C>T on the plus strand (G>A on the coding strand, the complement: CERT1 is on the minus strand). VCF-style: chr5-75425361-C-T. GRCh37 (hg19) VCF-style: chr5-74721186-C-T.
Other names: c.979G>A, p.Val327Met (NM_001130105.1); c.595G>A, p.Val199Met (NM_001379002.1, NM_001379003.1, NM_001379004.1 and 2 more transcripts); short protein forms V199M, V327M.
Identifiers: ClinVar variation 2581978 (VCV002581978.1), dbSNP rs2479126310, ClinGen allele CA360135372.